The following is an entry in ClinVar:

NM_000132.4(F8):c.6951C>G (p.Asp2317Glu)

Gene: F8 (coagulation factor VIII; minus strand). Cytogenetic location: Xq28.
Variant type: single nucleotide variant.
Coding change: c.6951C>G on transcript NM_000132.4 (MANE Select); coding-DNA position 6951, C replaced by G.
Protein change: p.Asp2317Glu; replaces aspartic acid 2317 with glutamic acid.
Molecular consequence: missense variant.
Genome position (GRCh38, 1-based): chrX:154,837,702, G>C on the plus strand (C>G on the coding strand, the complement: F8 is on the minus strand). VCF-style: chrX-154837702-G-C. GRCh37 (hg19) VCF-style: chrX-154065977-G-C.
Other names: c.546C>G, p.Asp182Glu (NM_019863.3); short protein forms D182E, D2317E.
Identifiers: ClinVar variation 1685781 (VCV001685781.2), dbSNP rs782799573, ClinGen allele CA10567727.

ClinVar aggregate classification (germline): Conflicting classifications of pathogenicity. Review status: criteria provided, conflicting classifications (1 of 4 stars). 2 submissions from 2 submitters: Pathogenic (1); Uncertain significance (1). Last evaluated 2022-05-04.

Conditions:
Thrombophilia, X-linked, due to factor 8 defect. Also called: THROMBOPHILIA, X-LINKED, DUE TO FACTOR VIII DEFECT; Thrombophilia 13, X-linked, due to factor VIII defect. Identifiers: MedGen C5676879, MONDO:0859082, OMIM 301071.
Hereditary factor VIII deficiency disease (HEMA). Also called: HEMOPHILIA, CLASSIC; AUTOSOMAL HEMOPHILIA A; Hemophilia A; Hemophilia A, congenital; HEM A; Factor 8 deficiency, congenital. Identifiers: Orphanet 98878, MedGen C0019069, MONDO:0010602, OMIM 306700.

Allele frequency attached by ClinVar (database versions not stated): TOPMed 0.00002; gnomAD 0.00008; gnomAD exomes 0.00008 and 0.00011; ExAC 0.00015; 1000 Genomes Project 30x 0.00062; 1000 Genomes Project 0.00079.
gnomAD v4.1: 98 of 1,209,543 alleles (0.0081%); highest among the groups gnomAD compares: South Asian, 0.16%; no homozygotes.

Submissions (2):

Mendelics
Classification: Pathogenic for Thrombophilia, X-linked, due to factor 8 defect. Last evaluated: 2022-05-04. Review status: criteria provided, single submitter. Criteria: Mendelics Assertion Criteria 2019. Collection method: clinical testing. Allele origin: germline.

Neuberg Centre For Genomic Medicine, NCGM
Classification: Uncertain significance for Hereditary factor VIII deficiency disease. Review status: criteria provided, single submitter. Criteria: ACMG Guidelines, 2015. Collection method: clinical testing. Allele origin: germline. Inheritance: X-linked recessive inheritance. Affected: yes.
Comment: The missense variant c.6951C>G(p.Asp2317Glu) in F8 gene has been reported in patients affected with mild hemophilia A and F8 gene related disorders (Nair et. al., 2016; Zheng et. al., 2015; Nair et. al., 2014). The observed variant has allele frequency of 0.01% in gnomAD exomes database. This variant has been submitted to the ClinVar database as pathogenic but no details available for independent assessment. The amino acid Asp at position 2317 is changed to a Glu changing protein sequence and it might alter its composition and physico-chemical properties. Functional studies will be required to confirm the pathogenicity of the variant. For these reasons, this variant has been classified as Uncertain SIgnificance (VUS).